The following is an entry in ClinVar:

NM_004069.6(AP2S1):c.43C>T (p.Arg15Cys)

Gene: AP2S1 (adaptor related protein complex 2 subunit sigma 1; minus strand). Cytogenetic location: 19q13.32.
Variant type: single nucleotide variant.
Coding change: c.43C>T on transcript NM_004069.6 (MANE Select); coding-DNA position 43, C replaced by T.
Protein change: p.Arg15Cys; replaces arginine 15 with cysteine.
Molecular consequence: missense variant.
Genome position (GRCh38, 1-based): chr19:46,846,103, G>A on the plus strand (C>T on the coding strand, the complement: AP2S1 is on the minus strand). VCF-style: chr19-46846103-G-A. GRCh37 (hg19) VCF-style: chr19-47349360-G-A.
Other names: c.91C>T, p.Arg31Cys (NM_001301076.3); c.43C>T, p.Arg15Cys (NM_001301078.3, NM_021575.5); c.49C>T, p.Arg17Cys (NM_001301081.3); c.43C>T (NM_004069.3, NM_004069.5); short protein forms R15C, R17C, R31C.
Identifiers: ClinVar variation 39424 (VCV000039424.63), dbSNP rs397514498, ClinGen allele CA130281.
Genomic context (GRCh38, chr19:46,846,103, plus strand): 5'-CCTCCTCGATCAGCTTCTGTTTCTCATCATCATCAAACTGCATGTACCACTTGGCCAGGC[G>A]CGTCTTGCCTGCCCGGTTCTGGATGAGGATAAAGCGGATCTGGGGGCAGCAGGAGGAGAA-3'
Protein context (NP_004060.2, residues 5-25): ILIQNRAGKT[Arg15Cys]LAKWYMQFDD

ClinVar aggregate classification (germline): Pathogenic. Review status: criteria provided, multiple submitters, no conflicts (2 of 4 stars). 14 submissions from 14 submitters: Pathogenic (12). 2 of the submissions do not count toward it. Last evaluated 2026-03-30.

Conditions:
AP2S1-related disorder. Also called: AP2S1-related condition.
Familial hypocalciuric hypercalcemia 3. Also called: Hypocalciuric hypercalcemia, familial, type III; Hypocalciuric hypercalcemia, type III; FAMILIAL BENIGN HYPERCALCEMIA, TYPE III; HYPERCALCEMIA, FAMILIAL BENIGN, OKLAHOMA TYPE. Identifiers: Orphanet 101050, Orphanet 405, MedGen C1833372, MONDO:0010926, OMIM 600740.

Allele frequency attached by ClinVar (database versions not stated): TOPMed below 0.00001.

Submissions (14):

PreventionGenetics, part of Exact Sciences
Classification: Pathogenic for AP2S1-related condition. Last evaluated: 2026-03-30. Review status: criteria provided, single submitter. Criteria: ACMG Guidelines, 2015. Collection method: clinical testing. Allele origin: germline.
Comment: The AP2S1 c.43C>T variant is predicted to result in the amino acid substitution p.Arg15Cys. This variant has been reported to be pathogenic for familial hypocalciuric hypercalcemia (FHH) (Nesbit et al. 2013. PubMed ID: 23222959). Nesbit et al. found three different amino acid changes at the p.Arg15 codon (p.Arg15Cys, p.Arg15His and p.Arg15Leu) in FHH patients who are negative for CaSR defects. These alterations at the p.Arg15 codon resulted in decreased sensitivity of CaSR-expressing cells to extracellular calcium, reduced CaSR endocytosis, and decreased intracellular signaling. Of note, cinacalcet-mediated allosteric modulation of the calcium-sensing receptor has been recently demonstrated to be able to correct the loss of function of AP2S1 alterations at the p.Arg15 codon (Howles et al. 2016. PubMed ID: 27276582). This variant has not been reported in a large population database, and is interpreted as pathogenic in ClinVar (Variation ID: 39424). This variant is interpreted as pathogenic.

Center for Genomic Medicine, Rigshospitalet, Copenhagen University Hospital
Classification: Pathogenic. Last evaluated: 2025-12-29. Review status: criteria provided, single submitter. Criteria: ACMG Guidelines, 2015. Collection method: clinical testing. Allele origin: germline.
Comment: Classification criteria: PS3_strong, PM1_moderat, PM2_supporting, PM5_moderat, PP3_supporting

Labcorp Genetics (formerly Invitae), Labcorp
Classification: Pathogenic. Last evaluated: 2025-11-22. Review status: criteria provided, single submitter. Criteria: Invitae Variant Classification Sherloc (09022015). Collection method: clinical testing. Allele origin: germline.
Comment: This sequence change replaces arginine, which is basic and polar, with cysteine, which is neutral and slightly polar, at codon 15 of the AP2S1 protein (p.Arg15Cys). This variant is not present in population databases (gnomAD no frequency). This missense change has been observed in individual(s) with familial hypocalciuric hypercalcemia type 3 (PMID: 23222959, 24731014, 26082470, 27050234). In at least one individual the variant was observed to be de novo. It has also been observed to segregate with disease in related individuals. ClinVar contains an entry for this variant (Variation ID: 39424). An algorithm developed to predict the effect of missense changes on protein structure and function (PolyPhen-2) suggests that this variant is likely to be tolerated. Experimental studies have shown that this missense change affects AP2S1 function (PMID: 23222959, 26082470). For these reasons, this variant has been classified as Pathogenic.

3billion
Classification: Pathogenic for Familial hypocalciuric hypercalcemia 3. Last evaluated: 2025-01-30. Review status: criteria provided, single submitter. Criteria: ACMG Guidelines, 2015. Collection method: clinical testing. Allele origin: germline. Affected: yes.
Comment: The variant is not observed in the gnomAD v4.1.0 dataset. Predicted Consequence/Location: Missense variant. Missense changes are a common disease-causing mechanism. In silico tool predictions suggest damaging effect of the variant on gene or gene product [REVEL: 0.76 (>=0.6, sensitivity 0.68 and specificity 0.92); 3Cnet: 0.96 (>=0.6, sensitivity 0.72 and precision 0.9)]. The same nucleotide change resulting in the same amino acid change has been previously reported as pathogenic/likely pathogenic with strong evidence (ClinVar ID: VCV000039424 /PMID: 23222959 /3billion dataset). Different missense changes at the same codon (p.Arg15His, p.Arg15Leu) have been reported as pathogenic/likely pathogenic with strong evidence (ClinVar ID: VCV000039425, VCV000039426 /PMID: 23222959). Therefore, this variant is classified as Pathogenic according to the recommendation of ACMG/AMP guideline.

Blueprint Genetics
Classification: Pathogenic for AP2S1-related disorders. Last evaluated: 2024-11-15. Review status: criteria provided, single submitter. Criteria: ACMG Guidelines, 2015. Collection method: clinical testing. Allele origin: germline. Affected: yes. Observed: 2 variant alleles.

Greenwood Genetic Center Diagnostic Laboratories, Greenwood Genetic Center
Classification: Pathogenic for Familial hypocalciuric hypercalcemia 3. Last evaluated: 2024-10-27. Review status: criteria provided, single submitter. Criteria: ACMG Guidelines, 2015. Collection method: clinical testing. Allele origin: germline. Affected: yes.
Comment: PS3, PS4, PM2, PP2, PP3

Clinical Genetics Laboratory, Skane University Hospital Lund
Classification: Pathogenic for Familial hypocalciuric hypercalcemia 3. Last evaluated: 2024-10-23. Review status: criteria provided, single submitter. Criteria: ACMG Guidelines, 2015. Collection method: clinical testing. Allele origin: germline. Affected: yes.
Comment: ACMG criteria used: PS3, PS4, PM2, PM5, PP3

Genetics and Molecular Pathology, SA Pathology
Classification: Pathogenic for Familial hypocalciuric hypercalcemia 3. Last evaluated: 2022-11-30. Review status: criteria provided, single submitter. Criteria: ACMG Guidelines, 2015. Collection method: clinical testing. Allele origin: germline. Inheritance: Autosomal dominant inheritance. Affected: yes.
Comment: The AP2S1 c.43C>T variant is classified as Pathogenic (PS4, PM2, PM5, PP1, PP3) The AP2S1 c.43C>T variant is a single nucleotide change in exon 2/5 of the AP2S1 gene, which is predicted to change the amino acid arginine at position 15 in the protein to cysteine. The variant has been reported in several probands with a clinical presentation of familial hypocalciuric hypercalcemia (HGMD: CM1212084) (PS4). This variant is absent from population databases (PM2). This variant has been shown to segregate with disease in a 2019 study (Wong et al, 2019; PMID:31723423) (PP1). HEK-CaSR cells expressing Arg15 missense AP2-sigma-2 variants were found to have half-maximal effective concentration (EC50) values that were significantly higher than cells expressing the wild-type AP2-sigma-2 protein (Hannan et al; 2015; PMID:26082470) (PS3_moderate). This variant is a missense change at an amino acid residue where the different missense changes p.Arg15His and p.Arg15Leu has been seen before (PM5). Computational predictions support a deleterious effect on the gene or gene product (PP3). The variant has been reported in dbSNP (rs397514498) and in the HGMD database: CM1212084. It has been reported as Pathogenic by other diagnostic laboratories (ClinVar Variation ID: 39424).

GeneDx
Classification: Pathogenic. Last evaluated: 2022-06-02. Review status: criteria provided, single submitter. Criteria: GeneDx Variant Classification Process June 2021. Collection method: clinical testing. Allele origin: germline. Affected: yes.
Comment: Published functional studies demonstrate this variant impairs the role of AP2S1 in extracellular calcium homeostasis by affected CaSR endocytosis and decreasing sensitivity of cells to extracellular calcium (Nesbit et al., 2013; Hannan et al., 2015); Not observed at significant frequency in large population cohorts (gnomAD); This variant is associated with the following publications: (PMID: 26082470, 27913609, 27050234, 31672324, 23222959, 33729479, 33168530, 24731014, 31723423)

CeGaT Center for Human Genetics Tuebingen
Classification: Pathogenic. Last evaluated: 2020-12-01. Review status: criteria provided, single submitter. Criteria: CeGaT Center For Human Genetics Tuebingen Variant Classification Criteria Version 2. Collection method: clinical testing. Allele origin: germline. Affected: yes. Observed: 2 variant alleles.

Fulgent Genetics
Classification: Pathogenic for Familial hypocalciuric hypercalcemia 3. Last evaluated: 2018-10-31. Review status: criteria provided, single submitter. Criteria: ACMG Guidelines, 2015. Collection method: clinical testing. Allele origin: unknown.

Genetic Services Laboratory, University of Chicago
Classification: Pathogenic for Hypocalciuric hypercalcemia, familial, type III. Last evaluated: 2017-05-09. Review status: criteria provided, single submitter. Criteria: ACMG Guidelines, 2015. Collection method: clinical testing. Allele origin: germline. Affected: yes.

Molecular Genetics Laboratory, Biobizkaia Health Research Institute
Classification: Pathogenic for Familial hypocalciuric hypercalcemia 3. Last evaluated: 2024-03-08. Review status: no assertion criteria provided. Collection method: clinical testing. Allele origin: maternal. Affected: yes. Not counted in ClinVar's aggregate classification.

OMIM
Classification: Pathogenic for HYPOCALCIURIC HYPERCALCEMIA, FAMILIAL, TYPE III. Last evaluated: 2013-01-01. Review status: no assertion criteria provided. Collection method: literature only. Allele origin: germline. Not counted in ClinVar's aggregate classification.

Literature cited by the submitters: PubMed 31723423 (cited by Center for Genomic Medicine, Rigshospitalet, Copenhagen University Hospital and Genetics and Molecular Pathology, SA Pathology); PubMed 27050234 (cited by Center for Genomic Medicine, Rigshospitalet, Copenhagen University Hospital and Labcorp Genetics (formerly Invitae), Labcorp); PubMed 23222959 (cited by 4 submitters); PubMed 24731014 (cited by Labcorp Genetics (formerly Invitae), Labcorp); PubMed 26082470 (cited by Labcorp Genetics (formerly Invitae), Labcorp and Genetics and Molecular Pathology, SA Pathology); PubMed 1524075 (cited by OMIM); PubMed 20133464 (cited by OMIM).